The following is an entry in ClinVar:

NM_001365276.2(TNXB):c.9085G>A (p.Val3029Met)

Gene: TNXB (tenascin XB; minus strand). Cytogenetic location: 6p21.33.
Variant type: single nucleotide variant.
Coding change: c.9085G>A on transcript NM_001365276.2 (MANE Select); coding-DNA position 9085, G replaced by A.
Protein change: p.Val3029Met; replaces valine 3029 with methionine.
Molecular consequence: missense variant.
Genome position (GRCh38, 1-based): chr6:32,052,700, C>T on the plus strand (G>A on the coding strand, the complement: TNXB is on the minus strand). VCF-style: chr6-32052700-C-T. GRCh37 (hg19) VCF-style: chr6-32020477-C-T.
Other names: c.9079G>A, p.Val3027Met (NM_019105.8); short protein forms V3029M, V3027M.
Identifiers: ClinVar variation 1765691 (VCV001765691.4), dbSNP rs543265032, ClinGen allele CA3733654.
Genomic context (GRCh38, chr6:32,052,700, plus strand): 5'-CCCCACCTCGCCTCACTCACACTTACTCACCTGTCACACCCACAGCGGACACTGGGCCCA[C>T]GCGCTGCCCCTCGTGGAGGCCGTACAGGTGCATCTTGTATTTGCACCCGGGCTCCAGGCC-3'
Protein context (NP_001352205.1, residues 3019-3039): HLYGLHEGQR[Val3029Met]GPVSAVGVTA

ClinVar aggregate classification (germline): Uncertain significance. Review status: criteria provided, multiple submitters, no conflicts (2 of 4 stars). 2 submissions from 2 submitters: Uncertain significance (2). Last evaluated 2024-05-09.

Conditions:
Cardiovascular phenotype. Identifiers: MedGen CN230736.

Allele frequency attached by ClinVar (database versions not stated): TOPMed 0.00001; gnomAD 0.00002; ExAC 0.00003; 1000 Genomes Project 0.00020; 1000 Genomes Project 30x 0.00031.
gnomAD v4.1: 30 of 1,613,632 alleles (0.0019%); highest among the groups gnomAD compares: South Asian, 0.019%; no homozygotes.

Submissions (2):

GeneDx
Classification: Uncertain significance. Last evaluated: 2024-05-09. Review status: criteria provided, single submitter. Criteria: GeneDx Variant Classification Process June 2021. Collection method: clinical testing. Allele origin: germline. Affected: yes.
Comment: Has not been previously published as pathogenic or benign to our knowledge; In silico analysis supports that this missense variant does not alter protein structure/function

Ambry Genetics
Classification: Uncertain significance for Cardiovascular phenotype. Last evaluated: 2022-12-31. Review status: criteria provided, single submitter. Criteria: Ambry Variant Classification Scheme 2023. Collection method: clinical testing. Allele origin: germline.
Comment: The p.V3027M variant (also known as c.9079G>A), located in coding exon 25 of the TNXB gene, results from a G to A substitution at nucleotide position 9079. The valine at codon 3027 is replaced by methionine, an amino acid with highly similar properties. This amino acid position is well conserved in available vertebrate species. In addition, this alteration is predicted to be tolerated by in silico analysis. Since supporting evidence is limited at this time, the clinical significance of this alteration remains unclear.